The following is an entry in ClinVar:

ClinVar aggregate classification (germline): Uncertain significance. Review status: criteria provided, multiple submitters, no conflicts (2 of 4 stars). 2 submissions from 2 submitters: Uncertain significance (2). Last evaluated 2023-12-15.

Conditions:
Inborn genetic diseases. Identifiers: MedGen C0950123, MeSH D030342.

Allele frequency attached by ClinVar (database versions not stated): gnomAD exomes below 0.00001; gnomAD 0.00001; TOPMed below 0.00001; ExAC 0.00001.
gnomAD v4.1: 4 of 1,606,414 alleles (0.00025%); highest among the groups gnomAD compares: Admixed American, 0.0033%; no homozygotes.

Submissions (2):

Ambry Genetics
Classification: Uncertain significance for Inborn genetic diseases. Last evaluated: 2023-12-15. Review status: criteria provided, single submitter. Criteria: Ambry Variant Classification Scheme 2023. Collection method: clinical testing. Allele origin: germline.

GeneDx
Classification: Uncertain significance. Last evaluated: 2019-05-07. Review status: criteria provided, single submitter. Criteria: GeneDx Variant Classification Process June 2021. Collection method: clinical testing. Allele origin: germline. Affected: yes.
Comment: Not observed at a significant frequency in large population cohorts (Lek et al., 2016); Has not been previously published as pathogenic or benign to our knowledge

NM_144991.3(TSPEAR):c.538G>A (p.Asp180Asn)

Gene: TSPEAR (thrombospondin type laminin G domain and EAR repeats; minus strand). Cytogenetic location: 21q22.3.
Variant type: single nucleotide variant.
Coding change: c.538G>A on transcript NM_144991.3 (MANE Select); coding-DNA position 538, G replaced by A.
Protein change: p.Asp180Asn; replaces aspartic acid 180 with asparagine.
Molecular consequence: missense variant.
Genome position (GRCh38, 1-based): chr21:44,533,689, C>T on the plus strand (G>A on the coding strand, the complement: TSPEAR is on the minus strand). VCF-style: chr21-44533689-C-T. GRCh37 (hg19) VCF-style: chr21-45953572-C-T.
Other names: c.334G>A, p.Asp112Asn (NM_001272037.2); short protein forms D112N, D180N.
Identifiers: ClinVar variation 1305666 (VCV001305666.3), dbSNP rs782488058, ClinGen allele CA10056987.